The following is an entry in ClinVar:

NM_001267550.2(TTN):c.95573A>G (p.Asn31858Ser)

Genes: TTN-AS1 (TTN antisense RNA 1; plus strand), TTN (titin; minus strand). Cytogenetic location: 2q31.2.
Variant type: single nucleotide variant.
Coding change: c.95573A>G on transcript NM_001267550.2 (MANE Select); coding-DNA position 95573, A replaced by G.
Protein change: p.Asn31858Ser; replaces asparagine 31858 with serine.
Molecular consequence: missense variant.
Genome position (GRCh38, 1-based): chr2:178,545,537, T>C on the plus strand (A>G on the coding strand, the complement: TTN is on the minus strand). VCF-style: chr2-178545537-T-C. GRCh37 (hg19) VCF-style: chr2-179410264-T-C.
Other names: c.90650A>G, p.Asn30217Ser (NM_001256850.1); c.68378A>G, p.Asn22793Ser (NM_003319.4); c.87869A>G, p.Asn29290Ser (NM_133378.4); c.68753A>G, p.Asn22918Ser (NM_133432.3); c.68954A>G, p.Asn22985Ser (NM_133437.4); short protein forms N30217S, N31858S, N29290S, N22793S, N22985S, N22918S.
Identifiers: ClinVar variation 1755709 (VCV001755709.5), dbSNP rs771395028, ClinGen allele CA1986924.

ClinVar aggregate classification (germline): Conflicting classifications of pathogenicity. Review status: criteria provided, conflicting classifications (1 of 4 stars). 4 submissions from 4 submitters: Uncertain significance (3); Likely benign (1). Last evaluated 2026-09-21.

Conditions:
TTN-related disorder. Also called: TTN-related disorders; TTN-related condition; TTN-related disease.
Cardiovascular phenotype. Identifiers: MedGen CN230736.

Allele frequency attached by ClinVar (database versions not stated): gnomAD exomes 0.00002; TOPMed 0.00002; ExAC 0.00003; gnomAD 0.00003.
gnomAD v4.1: 30 of 1,613,664 alleles (0.0019%); highest among the groups gnomAD compares: Admixed American, 0.01%; no homozygotes.

Submissions (4):

PreventionGenetics, part of Exact Sciences
Classification: Uncertain significance for TTN-related condition. Last evaluated: 2026-09-21. Review status: criteria provided, single submitter. Criteria: ACMG Guidelines, 2015. Collection method: clinical testing. Allele origin: germline.
Comment: The TTN c.95573A>G variant is predicted to result in the amino acid substitution p.Asn31858Ser. This variant has been reported in at least one individual with dilated cardiomyopathy (Table S10, Horvat et al. 2018. PubMed ID: 29892087; Minoche et al. 2018. PubMed ID: 29961767). This variant is reported in 0.014% of alleles in individuals of Latino descent in gnomAD. At this time, the clinical significance of this variant is uncertain due to the absence of conclusive functional and genetic evidence.

Women's Health and Genetics/Laboratory Corporation of America, LabCorp
Classification: Uncertain significance. Last evaluated: 2025-02-18. Review status: criteria provided, single submitter. Criteria: LabCorp Variant Classification Summary - May 2015. Collection method: clinical testing. Allele origin: germline.
Comment: Variant summary: TTN c.87869A>G (p.Asn29290Ser), also reported as c.95573A>G p.N31858S, results in a conservative amino acid change in the encoded protein sequence. Two of four in-silico tools predict a benign effect of the variant on protein function. The variant allele was found at a frequency of 4e-05 in 248980 control chromosomes. This frequency is not significantly higher than estimated for a pathogenic variant in TTN causing Dilated Cardiomyopathy (4e-05 vs 0.00039), allowing no conclusion about variant significance. c.87869A>G has been reported in the heterozygous state in the literature in at least 2 individuals affected with Dilated Cardiomyopathy (example, Horvat_2019, Minoche_2019), without strong evidence for causality. In Horvat_2019, 2 transmissions of the reference allele to affected individuals was reported, demonstrating non-segregation within at least 1 family. These data indicate that the variant is unlikely to be associated with disease. To our knowledge, no experimental evidence demonstrating an impact on protein function has been reported. The following publications have been ascertained in the context of this evaluation (PMID: 29892087, 29961767). ClinVar contains an entry for this variant (Variation ID: 1755709). Based on the evidence outlined above, the variant was classified as VUS-possibly benign.

Blueprint Genetics
Classification: Likely benign. Last evaluated: 2023-03-27. Review status: criteria provided, single submitter. Criteria: ACMG Guidelines, 2015. Collection method: clinical testing. Allele origin: germline.

Ambry Genetics
Classification: Uncertain significance for Cardiovascular phenotype. Last evaluated: 2018-08-16. Review status: criteria provided, single submitter. Criteria: Ambry Variant Classification Scheme 2023. Collection method: clinical testing. Allele origin: germline.
Comment: The p.N22793S variant (also known as c.68378A>G), located in coding exon 171 of the TTN gene, results from an A to G substitution at nucleotide position 68378. The asparagine at codon 22793 is replaced by serine, an amino acid with highly similar properties. This variant, reported as p.N31858S (c.95573A>G), was detected in an individual with dilated cardiomyopathy who also had another variant in a cardiac-related gene (Minoche AE et al. Genet. Med., 2018 Jul [Epub ahead of print]). This amino acid position is highly conserved in available vertebrate species. In addition, this alteration is predicted to be tolerated by in silico analysis. Since supporting evidence is limited at this time, the clinical significance of this alteration remains unclear.

Literature cited by the submitters: PubMed 29961767 (cited by Women's Health and Genetics/Laboratory Corporation of America, LabCorp and Ambry Genetics); PubMed 29892087 (cited by Women's Health and Genetics/Laboratory Corporation of America, LabCorp).